The following is an entry in ClinVar:

ClinVar aggregate classification (germline): Uncertain significance. Review status: criteria provided, single submitter (1 of 4 stars). 2 submissions from 2 submitters: Uncertain significance (1). 1 of the submissions does not count toward it. Last evaluated 2015-10-19.

Conditions:
Hereditary cancer-predisposing syndrome. Also called: Tumor predisposition; Hereditary Cancer Syndrome; Hereditary neoplastic syndrome; Neoplastic Syndromes, Hereditary. Identifiers: Orphanet 140162, MedGen C0027672, MeSH D009386, MONDO:0015356.

Submissions (2):

Ambry Genetics
Classification: Uncertain significance for Hereditary cancer-predisposing syndrome. Last evaluated: 2015-10-19. Review status: criteria provided, single submitter. Criteria: Ambry Variant Classification Scheme 2023. Collection method: clinical testing. Allele origin: germline.
Comment: The p.A1228P variant (also known as c.3682G>C), located in coding exon 8 of the MSH6 gene, results from a G to C substitution at nucleotide position 3682. The alanine at codon 1228 is replaced by proline, an amino acid with highly similar properties. This variant was not reported in population based cohorts in the following databases: Database of Single Nucleotide Polymorphisms (dbSNP), NHLBI Exome Sequencing Project (ESP), and 1000 Genomes Project. In the ESP, this variant was not observed in 6503 samples (13006 alleles) with coverage at this position. To date, this alteration has been detected with an allele frequency of approximately 0.002% (greater than 65000 alleles tested) in our clinical cohort. This amino acid position is highly conserved in available vertebrate species. The CoDP in silico tool predicts this alteration to likely impact molecular function, with a score of 0.987 (Terui H et al. J. Biomed. Sci. 2013;20:25). In addition, this alteration is predicted to be deleterious by in silico analysis. Since supporting evidence is limited at this time, the clinical significance of p.A1228P remains unclear.

Department of Pathology and Laboratory Medicine, Sinai Health System
Classification: Uncertain significance. Review status: no assertion criteria provided. Collection method: clinical testing. Allele origin: unknown. Affected: yes. Observed: 2 variant alleles. Study: The Canadian Open Genetics Repository (COGR). Not counted in ClinVar's aggregate classification.

NM_000179.3(MSH6):c.3682G>C (p.Ala1228Pro)

Gene: MSH6 (mutS homolog 6; plus strand). Cytogenetic location: 2p16.3.
Variant type: single nucleotide variant.
Coding change: c.3682G>C on transcript NM_000179.3 (MANE Select); coding-DNA position 3682, G replaced by C.
Protein change: p.Ala1228Pro; replaces alanine 1228 with proline.
Molecular consequence: missense variant.
Genome position (GRCh38, 1-based): chr2:47,806,239, G>C. VCF-style: chr2-47806239-G-C. GRCh37 (hg19) VCF-style: chr2-48033378-G-C.
Other names: c.3292G>C, p.Ala1098Pro (NM_001281492.2); c.2776G>C, p.Ala926Pro (NM_001281493.2, NM_001281494.2); short protein forms A1228P, A1098P, A926P.
Identifiers: ClinVar variation 89446 (VCV000089446.6), dbSNP rs587779283, ClinGen allele CA013799.